The following is an entry in ClinVar:

NM_001110556.2(FLNA):c.2565+1G>A

Gene: FLNA (filamin A; minus strand). Cytogenetic location: Xq28.
Variant type: single nucleotide variant.
Coding change: c.2565+1G>A on transcript NM_001110556.2 (MANE Select); the canonical splice donor site of the intron after coding-DNA position 2565, G replaced by A.
Molecular consequence: splice donor variant.
Genome position (GRCh38, 1-based): chrX:154,362,417, C>T on the plus strand (G>A on the coding strand, the complement: FLNA is on the minus strand). VCF-style: chrX-154362417-C-T. GRCh37 (hg19) VCF-style: chrX-153590785-C-T.
Other names: c.2565+1G>A (NM_001456.4).
Identifiers: ClinVar variation 575118 (VCV000575118.11), dbSNP rs786205186, ClinGen allele CA415235599.

ClinVar aggregate classification (germline): Pathogenic (1 of 4 stars; one submission).

Conditions:
Heterotopia, periventricular, X-linked dominant (PVNH1). Also called: PERIVENTRICULAR NODULAR HETEROTOPIA 4; HETEROTOPIA, PERIVENTRICULAR, 1; PERIVENTRICULAR NODULAR HETEROTOPIA 1; X-linked periventricular heterotopia. Identifiers: Orphanet 2149, Orphanet 82004, MedGen C1848213, MONDO:0010233, OMIM 300049.
Melnick-Needles syndrome (MNS). Also called: Melnick-Needles Syndrome (FLNA-MNS); MELNICK-NEEDLES OSTEODYSPLASTY; OSTEODYSPLASTY OF MELNICK AND NEEDLES. Identifiers: Orphanet 2484, MedGen C0025237, MONDO:0010650, OMIM 309350.
Frontometaphyseal dysplasia (FMD1). Identifiers: Orphanet 1826, MedGen C0265293, MONDO:0015942.
Oto-palato-digital syndrome, type II (OPD2). Also called: Otopalatodigital Syndrome Type 2 (FLNA-OPD2); Otopalatodigital Syndrome, Type II; FACIOPALATOOSSEOUS SYNDROME; OPD II SYNDROME. Identifiers: Orphanet 669, Orphanet 90652, MedGen C1844696, MONDO:0010571, OMIM 304120.

Submission:

Labcorp Genetics (formerly Invitae), Labcorp
Classification: Pathogenic for Oto-palato-digital syndrome, type II; Heterotopia, periventricular, X-linked dominant; Frontometaphyseal dysplasia; Melnick-Needles syndrome. Last evaluated: 2018-11-21. Review status: criteria provided, single submitter. Criteria: Invitae Variant Classification Sherloc (09022015). Collection method: clinical testing. Allele origin: germline.
Comment: comment This sequence change affects a donor splice site in intron 17 of the FLNA gene. It is expected to disrupt RNA splicing and likely results in an absent or disrupted protein product. This variant is not present in population databases (ExAC no frequency). Algorithms developed to predict the effect of sequence changes on RNA splicing suggest that this variant may disrupt the consensus splice site, but this prediction has not been confirmed by published transcriptional studies. Donor and acceptor splice site variants typically lead to a loss of protein function (PMID: 16199547), and loss-of-function variants in FLNA are known to be pathogenic (PMID: 16684786, 20730588, 26471271). For these reasons, this variant has been classified as Pathogenic.

Literature cited by the submitters: PubMed 16199547; PubMed 16684786; PubMed 20730588; PubMed 26471271.